The following is an entry in ClinVar:

ClinVar aggregate classification (germline): Pathogenic/Likely pathogenic. Review status: criteria provided, multiple submitters, no conflicts (2 of 4 stars). 3 submissions from 3 submitters: Pathogenic (2); Likely pathogenic (1). Last evaluated 2025-11-06.

Conditions:
Aromatase deficiency. Also called: Increased aromatase activity; PSEUDOHERMAPHRODITISM, FEMALE, DUE TO PLACENTAL AROMATASE DEFICIENCY. Identifiers: Orphanet 91, MedGen C1960539, MONDO:0013301, OMIM 613546.
Aromatase excess syndrome (AEXS). Also called: GYNECOMASTIA, HEREDITARY; Familial gynecomastia, due to increased aromatase activity; AROMATASE ACTIVITY, INCREASED. Identifiers: Orphanet 178345, MedGen C1970109, MONDO:0007690, OMIM 139300.

gnomAD v4.1: 3 of 1,593,964 alleles (0.00019%); highest among the groups gnomAD compares: South Asian, 0.0033%; no homozygotes.

Submissions (3):

Natera, Inc.
Classification: Pathogenic for Aromatase deficiency. Last evaluated: 2025-11-06. Review status: criteria provided, single submitter. Criteria: Natera Variant Classification Schema (03/2026). Collection method: clinical testing. Allele origin: germline.
Comment: The c.1263+1G>A variant in CYP19A1 is a canonical splice donor site variant predicted to affect pre-mRNA splicing, which may result in an abnormal transcript and altered protein product. This variant is expected to result in nonsense mediated decay, truncation, or a dysfunctional protein product. This variant is rare in the general population with a frequency below the threshold expected for the associated phenotype(s). This variant has been observed in one or more individuals affected with the associated recessive disease, as either homozygous or compound heterozygous with a second variant (PMID: 33108086). Another variant at this same site results in an alteration predicted to cause a similar molecular effect has been observed in individual(s) with the associated phenotype. Given the available evidence, this variant is classified as Pathogenic.

Genomic Medicine Center of Excellence, King Faisal Specialist Hospital and Research Centre
Classification: Likely pathogenic for Aromatase excess syndrome. Last evaluated: 2024-03-26. Review status: criteria provided, single submitter. Criteria: ACMG Guidelines, 2015. Collection method: clinical testing. Allele origin: germline.

Labcorp Genetics (formerly Invitae), Labcorp
Classification: Pathogenic. Last evaluated: 2024-01-11. Review status: criteria provided, single submitter. Criteria: Invitae Variant Classification Sherloc (09022015). Collection method: clinical testing. Allele origin: germline.
Comment: This sequence change affects a donor splice site in intron 10 of the CYP19A1 gene. While this variant is not anticipated to result in nonsense mediated decay, it likely alters RNA splicing and results in a disrupted protein product. This variant is not present in population databases (gnomAD no frequency). Disruption of this splice site has been observed in individuals with aromatase deficiency (PMID: 29324451, 33108086). Variants that disrupt the consensus splice site are a relatively common cause of aberrant splicing (PMID: 17576681, 9536098). Algorithms developed to predict the effect of sequence changes on RNA splicing suggest that this variant may disrupt the consensus splice site. This variant disrupts a region of the CYP19A1 protein in which other variant(s) (p.Arg435Cys) have been determined to be pathogenic (PMID: 8265607, 17164303, 23329769, 27256151). This suggests that this is a clinically significant region of the protein, and that variants that disrupt it are likely to be disease-causing. For these reasons, this variant has been classified as Pathogenic.

Literature cited by the submitters: PubMed 33108086 (cited by Natera, Inc. and Labcorp Genetics (formerly Invitae), Labcorp); PubMed 29324451 (cited by Labcorp Genetics (formerly Invitae), Labcorp); PubMed 17576681 (cited by Labcorp Genetics (formerly Invitae), Labcorp); PubMed 9536098 (cited by Labcorp Genetics (formerly Invitae), Labcorp); PubMed 8265607 (cited by Labcorp Genetics (formerly Invitae), Labcorp); PubMed 17164303 (cited by Labcorp Genetics (formerly Invitae), Labcorp); PubMed 23329769 (cited by Labcorp Genetics (formerly Invitae), Labcorp); PubMed 27256151 (cited by Labcorp Genetics (formerly Invitae), Labcorp).

NM_000103.4(CYP19A1):c.1263+1G>A

Genes: CYP19A1 (cytochrome P450 family 19 subfamily A member 1; minus strand), PIRC66 (piwi-interacting RNA cluster 66; plus strand), MIR4713HG (MIR4713 host gene; plus strand). Cytogenetic location: 15q21.2.
Variant type: single nucleotide variant.
Coding change: c.1263+1G>A on transcript NM_000103.4 (MANE Select); the canonical splice donor site of the intron after coding-DNA position 1263, G replaced by A.
Molecular consequence: splice donor variant.
Genome position (GRCh38, 1-based): chr15:51,212,319, C>T on the plus strand (G>A on the coding strand, the complement: CYP19A1 is on the minus strand). VCF-style: chr15-51212319-C-T. GRCh37 (hg19) VCF-style: chr15-51504516-C-T.
Other names: c.1263+1G>A (NM_031226.3, NM_001347248.1, NM_001347249.2 and 8 more transcripts).
Identifiers: ClinVar variation 2780299 (VCV002780299.5), dbSNP rs2031075939, ClinGen allele CA392424516.
Genomic context (GRCh38, chr15:51,212,319, plus strand): 5'-GAGGATTTAACAGTTGACATTTTCAAGAGTGGCACACTCAGTTTTAAGGAAGGGCTCTTA[C>T]ATTCTTTGCAAAATTTTCAAGAGTAAATTCATTGGGTTTGGGGAAAAACTCGAGTCTGTG-3'